The following is an entry in ClinVar:

NM_013275.6(ANKRD11):c.6329C>T (p.Ser2110Phe)

Gene: ANKRD11 (ankyrin repeat domain 11; minus strand). Cytogenetic location: 16q24.3.
Variant type: single nucleotide variant.
Coding change: c.6329C>T on transcript NM_013275.6 (MANE Select); coding-DNA position 6329, C replaced by T.
Protein change: p.Ser2110Phe; replaces serine 2110 with phenylalanine.
Molecular consequence: missense variant.
Genome position (GRCh38, 1-based): chr16:89,280,213, G>A on the plus strand (C>T on the coding strand, the complement: ANKRD11 is on the minus strand). VCF-style: chr16-89280213-G-A. GRCh37 (hg19) VCF-style: chr16-89346621-G-A.
Other names: c.6329C>T, p.Ser2110Phe (NM_001256182.2, NM_001256183.2); short protein forms S2110F.
Identifiers: ClinVar variation 2672666 (VCV002672666.25), dbSNP rs754349927, ClinGen allele CA397151363.
Genomic context (GRCh38, chr16:89,280,213, plus strand): 5'-TCGTCCTCGGGGCCGGCGAAGGCGTCCGCCCAGGGCACCGGCTCCACCTGGCCGAGGTGA[G>A]ACAGGCCGCGGCTGCCGTCCAGGAAGCTATTTTCCAGGGGCCCCAGAGCCTCCACCTGAG-3'
Protein context (NP_037407.4, residues 2100-2120): NSFLDGSRGL[Ser2110Phe]HLGQVEPVPW

ClinVar aggregate classification (germline): Uncertain significance. Review status: criteria provided, multiple submitters, no conflicts (2 of 4 stars). 2 submissions from 2 submitters: Uncertain significance (2). Last evaluated 2023-11-01.

Conditions:
KBG syndrome (KBGS). Also called: ANKRD11-Related KBG Syndrome. Identifiers: Orphanet 2332, MedGen C0220687, MONDO:0007846, OMIM 148050.

gnomAD v4.1: 6 of 1,608,116 alleles (0.00037%); highest among the groups gnomAD compares: South Asian, 0.0022%; no homozygotes.

Submissions (2):

CeGaT Center for Human Genetics Tuebingen
Classification: Uncertain significance. Last evaluated: 2023-11-01. Review status: criteria provided, single submitter. Criteria: CeGaT Center For Human Genetics Tuebingen Variant Classification Criteria Version 2. Collection method: clinical testing. Allele origin: germline. Affected: yes. Observed: 1 variant allele.
Comment: ANKRD11: PM2, BP4

Revvity Omics, Revvity
Classification: Uncertain significance for KBG syndrome. Last evaluated: 2023-02-28. Review status: criteria provided, single submitter. Criteria: ACMG Guidelines, 2015. Collection method: clinical testing. Allele origin: germline.